The following is an entry in ClinVar:

ClinVar aggregate classification (germline): Likely benign. Review status: criteria provided, multiple submitters, no conflicts (2 of 4 stars). 3 submissions from 3 submitters: Likely benign (3). Last evaluated 2025-12-28.

Conditions:
ADAMTSL4-related disorder. Also called: ADAMTSL4-related condition; ADAMTSL4-Related Disorders.

Allele frequency attached by ClinVar (database versions not stated): gnomAD exomes 0.00007 and 0.00021; ExAC 0.00022; gnomAD 0.00056 and 0.00060; 1000 Genomes Project 0.00060; 1000 Genomes Project 30x 0.00062; TOPMed 0.00066; ESP Exome Variant Server 0.00069.

Submissions (3):

Labcorp Genetics (formerly Invitae), Labcorp
Classification: Likely benign. Last evaluated: 2025-12-28. Review status: criteria provided, single submitter. Criteria: Invitae Variant Classification Sherloc (09022015). Collection method: clinical testing. Allele origin: germline.

PreventionGenetics, part of Exact Sciences
Classification: Likely benign for ADAMTSL4-related condition. Last evaluated: 2025-02-23. Review status: criteria provided, single submitter. Criteria: ACMG Guidelines, 2015. Collection method: clinical testing. Allele origin: germline.
Comment: This variant is classified as likely benign based on ACMG/AMP sequence variant interpretation guidelines (Richards et al. 2015 PMID: 25741868, with internal and published modifications).

CeGaT Center for Human Genetics Tuebingen
Classification: Likely benign. Last evaluated: 2025-01-01. Review status: criteria provided, single submitter. Criteria: CeGaT Center For Human Genetics Tuebingen Variant Classification Criteria Version 2. Collection method: clinical testing. Allele origin: germline. Affected: yes. Observed: 1 variant allele.
Comment: ADAMTSL4: BP4, BP7

NM_019032.6(ADAMTSL4):c.1956C>T (p.Pro652=)

Genes: ADAMTSL4 (ADAMTS like 4; plus strand), ADAMTSL4-AS2 (ADAMTSL4 antisense RNA 2; minus strand). Cytogenetic location: 1q21.2.
Variant type: single nucleotide variant.
Coding change: c.1956C>T on transcript NM_019032.6 (MANE Select); coding-DNA position 1956, C replaced by T.
Protein change: p.Pro652=; no amino-acid change (proline 652 retained).
Molecular consequence: synonymous variant. On other transcripts: intron variant (1).
Genome position (GRCh38, 1-based): chr1:150,557,244, C>T. VCF-style: chr1-150557244-C-T. GRCh37 (hg19) VCF-style: chr1-150529720-C-T.
Other names: c.2025C>T, p.Pro675= (NM_001288608.2); c.1956C>T, p.Pro652= (NM_001378596.1, NM_025008.5); c.1857-18C>T (NM_001288607.2).
Identifiers: ClinVar variation 743615 (VCV000743615.23), dbSNP rs77184517, ClinGen allele CA1078468.